The following is an entry in ClinVar:

NM_014008.5(CCDC22):c.1273C>T (p.Arg425Trp)

Gene: CCDC22 (coiled-coil domain containing 22; plus strand). Cytogenetic location: Xp11.23.
Variant type: single nucleotide variant.
Coding change: c.1273C>T on transcript NM_014008.5 (MANE Select); coding-DNA position 1273, C replaced by T.
Protein change: p.Arg425Trp; replaces arginine 425 with tryptophan.
Molecular consequence: missense variant.
Genome position (GRCh38, 1-based): chrX:49,248,467, C>T. VCF-style: chrX-49248467-C-T. GRCh37 (hg19) VCF-style: chrX-49104928-C-T.
Other names: short protein forms R425W.
Identifiers: ClinVar variation 3342749 (VCV003342749.1).

ClinVar aggregate classification (germline): Likely pathogenic (1 of 4 stars; one submission).

gnomAD v4.1: 1 of 1,210,303 alleles (0.000083%); highest among the groups gnomAD compares: Non-Finnish European, 0.00011%; no homozygotes.

Submission:

GeneDx
Classification: Likely pathogenic. Last evaluated: 2023-12-08. Review status: criteria provided, single submitter. Criteria: GeneDx Variant Classification Process June 2021. Collection method: clinical testing. Allele origin: germline. Affected: yes.
Comment: Not observed at significant frequency in large population cohorts (gnomAD); In silico analysis supports that this missense variant has a deleterious effect on protein structure/function; Has not been previously published as pathogenic or benign to our knowledge